The following is an entry in ClinVar:

NM_006236.3(POU3F3):c.1473T>A (p.Pro491=)

Gene: POU3F3 (POU class 3 homeobox 3; plus strand). Cytogenetic location: 2q12.1.
Variant type: single nucleotide variant.
Coding change: c.1473T>A on transcript NM_006236.3 (MANE Select); coding-DNA position 1473, T replaced by A.
Protein change: p.Pro491=; no amino-acid change (proline 491 retained).
Molecular consequence: synonymous variant.
Genome position (GRCh38, 1-based): chr2:104,856,983, T>A. VCF-style: chr2-104856983-T-A. GRCh37 (hg19) VCF-style: chr2-105473441-T-A.
Identifiers: ClinVar variation 3049117 (VCV003049117.3), dbSNP rs202016096, ClinGen allele CA1813032.

ClinVar aggregate classification (germline): Likely benign. Review status: criteria provided, single submitter (1 of 4 stars). 2 submissions from 2 submitters: Likely benign (1). 1 of the submissions does not count toward it. Last evaluated 2026-07-01.

Conditions:
POU3F3-related disorder. Also called: POU3F3-related condition.

Allele frequency attached by ClinVar (database versions not stated): gnomAD exomes 0.00010; ExAC 0.00047; ESP Exome Variant Server 0.00055; gnomAD 0.00105; 1000 Genomes Project 0.00120; TOPMed 0.00134; 1000 Genomes Project 30x 0.00141.
gnomAD v4.1: 330 of 1,608,582 alleles (0.021%); highest among the groups gnomAD compares: African/African-American, 0.36%; 3 homozygotes.

Submissions (2):

CeGaT Center for Human Genetics Tuebingen
Classification: Likely benign. Last evaluated: 2026-07-01. Review status: criteria provided, single submitter. Criteria: CeGaT Center For Human Genetics Tuebingen Variant Classification Criteria Version 2. Collection method: clinical testing. Allele origin: germline. Affected: yes. Observed: 1 variant allele.
Comment: POU3F3: BP4, BP7, BS1

PreventionGenetics, part of Exact Sciences
Classification: Likely benign for POU3F3-related condition. Last evaluated: 2020-04-29. Review status: no assertion criteria provided. Collection method: clinical testing. Allele origin: germline. Not counted in ClinVar's aggregate classification.
Comment: This variant is classified as likely benign based on ACMG/AMP sequence variant interpretation guidelines (Richards et al. 2015 PMID: 25741868, with internal and published modifications).